The following continues an entry in ClinVar:

NM_032043.3(BRIP1):c.2392C>T (p.Arg798Ter)

Gene: BRIP1. ClinVar aggregate classification (germline): Pathogenic/Likely pathogenic. Pathogenic (48); Likely pathogenic (2). ClinVar aggregate classification (oncogenicity): Oncogenic.

Submissions 11 to 24 of 58:

Quest Diagnostics Nichols Institute San Juan Capistrano
Classification: Pathogenic. Last evaluated: 2025-09-17. Review status: criteria provided, single submitter. Criteria: Quest Diagnostics criteria. Collection method: clinical testing. Allele origin: unknown.
Comment: The BRIP1 c.2392C>T (p.Arg798*) variant causes the premature termination of BRIP1 protein synthesis. This variant has been reported in the published literature in the heterozygous state in multiple individuals with ovarian cancer (PMIDs: 34585738 (2022), 31822495 (2020), 30322717 (2018), 26681312 (2015), 26315354 (2015), 24240112 (2014), 21964575 (2011)), breast cancer (PMIDs: 34585738 (2022), 33758026 (2022), 34326862 (2021), 31822495 (2020), 26822949 (2016), 19763819 (2010), 17033622 (2006)), prostate cancer (PMID: 19127258 (2009)), Ewing sarcoma (PMID: 28125078 (2017)), and suspected Lynch syndrome (PMIDs: 25980754 (2015), 24556621 (2014)), as well as in reportedly unaffected individuals (PMIDs: 32359370 (2020), 26921362 (2016)). It has also been reported in the homozygous or compound heterozygous state as a recurrent mutation in individuals with Fanconi Anemia type J (PMID: 26968956 (2016), 16116424 (2005), 16116423 (2005)). Assessment of experimental evidence suggests this variant results in abnormal protein function (PMID: 16153896 (2005)). The frequency of this variant in the general population (Genome Aggregation Database) is consistent with pathogenicity. Based on the available information, this variant is classified as pathogenic.

Variantyx, Inc.
Classification: Likely pathogenic for Familial cancer of breast. Last evaluated: 2025-06-30. Review status: criteria provided, single submitter. Criteria: Variantyx Assertion Criteria 2022. Collection method: clinical testing. Allele origin: germline. Inheritance: Autosomal dominant inheritance. Affected: no.
Comment: This is a nonsense variant in the BRIP1 gene (OMIM: 605882). Pathogenic variants in this gene have been associated with autosomal dominant susceptibility to early-onset breast cancer This variant introduces a premature termination codon in exon 17 out of 20and is expected to result in loss of function, which is a known disease mechanism for BRIP1 (PMID: 29368626) (PVS1). It has been reported in at least 14 unrelated individuals with ovarian cancer (PMID: 32359370), 7 unrelated individuals with breast cancer (PMID: 17033622, 32068069, 26822949), and 6 unrelated individuals with prostate cancer (PMID: 19127258, 24556621) (PS4_Moderate). This variant has a 0.0348% maximum allele frequency in non-founder control populations. A large case-control study supports a role for this variant in ovarian cancer as a medium-risk allele (OR=2.22 [95% CI 1.20-4.11], p<0.0001) (PMID: 32359370). Based on the current evidence, this variant is classified as likely pathogenic for autosomal dominant susceptibility to early-onset breast cancer.

3billion
Classification: Pathogenic for Familial cancer of breast. Last evaluated: 2025-06-19. Review status: criteria provided, single submitter. Criteria: ACMG Guidelines, 2015. Collection method: clinical testing. Allele origin: germline. Affected: yes.
Comment: The variant is observed at an allele frequency greater than expected for the associated disorder in the gnomAD v4.1.0 dataset. Predicted Consequence/Location: Stop-gained (nonsense): predicted to result in a loss or disruption of normal protein function through nonsense-mediated decay (NMD) or protein truncation. Multiple pathogenic variants are reported downstream of the variant. The variant has been reported at least twice as pathogenic with clinical assertions and evidence for the classification (ClinVar ID: VCV000004738 /PMID: 16116423). Therefore, this variant is classified as Pathogenic according to the recommendation of ACMG/AMP guideline.

Institute for Genomic Medicine (IGM) Clinical Laboratory, Nationwide Children's Hospital
Classification: Pathogenic for Hereditary cancer-predisposing syndrome. Last evaluated: 2025-05-26. Review status: criteria provided, single submitter. Criteria: ACMG Guidelines, 2015. Collection method: clinical testing. Allele origin: germline.
Comment: This variant is predicted to result in loss of function through nonsense-mediated decay of the encoded transcript or premature truncation of the encoded protein in a gene in which loss of function is a known mechanism of disease (ACMG/AMP: PVS1; PMIDs:18628483, 21345144, 29368626). Well-established functional studies have demonstrated this variant to have a damaging effect on protein function or splicing (ACMG/AMP: PS3_Supporting; PMIDs:16116424, 16153896). This variant has been reported at an elevated frequency in affected individuals/in multiple affected individuals in the literature (ACMG/AMP: PS4; PMIDs:17033622, 19127258, 24556621, 26315354, 32885271, 32359370, 34026625). This variant has been observed in trans with a pathogenic variant (ACMG/AMP: PM3; PMID:16116424).

Molecular Diagnostics Laboratory, Catalan Institute of Oncology
Classification: Pathogenic for Hereditary cancer-predisposing syndrome. Last evaluated: 2025-04-22. Review status: criteria provided, single submitter. Criteria: ACMG Guidelines, 2015. Collection method: clinical testing. Allele origin: germline.
Comment: PVS1, PM3_Strong c.2392C>T, located in exon 17 of the BRIP1 gene, is expected to result in loss of function by premature protein truncation and nonsense-mediated mRNA decay, p.(Arg798Ter)(PVS1, PM5_Supporting).The variant allele was found in 37/263966 alleles, with a filter allele frequency of 0.01501% at 99% confidence, within the European Non Finnish population in the gnomAD v2.1.1 database (non-cancer data set). The SpliceAI algorithm results in a non-informative deltascore (0.17) for the effect of this variant on splicing. It has been reported in at least 10 Fanconi anemia probands in homozygosis (PMID: 16116423, 16116424)(PM3_Strong). To our knowledge, functional studies have not been performed for this variant. The variant has been reported in the ClinVar (44x pathogenic, 2x likely pathogenic) and the LOVD (37x pathogenic, 8x uncertain significance, 2x not classified) databases. Based on currently available information, the variant c.2392C>T is classified as pathogenic variant according to ACMG guidelines.

NHS Central & South Genomic Laboratory Hub
Classification: Pathogenic for Inherited ovarian cancer (without breast cancer). Last evaluated: 2025-04-09. Review status: criteria provided, single submitter. Criteria: ACMG Guidelines, 2015. Collection method: clinical testing. Allele origin: germline. Affected: yes.

Center for Genomic Medicine, Rigshospitalet, Copenhagen University Hospital
Classification: Pathogenic. Last evaluated: 2025-03-04. Review status: criteria provided, single submitter. Criteria: ACMG Guidelines, 2015. Collection method: clinical testing. Allele origin: germline.

Institute of Human Genetics, University of Leipzig Medical Center
Classification: Pathogenic for Breast-ovarian cancer, familial, susceptibility to, 1. Last evaluated: 2025-03-04. Review status: criteria provided, single submitter. Criteria: ACMG Guidelines, 2015. Collection method: clinical testing. Allele origin: unknown. Inheritance: Autosomal dominant inheritance. Affected: yes.
Comment: Criteria applied: PVS1,PM3

Ambry Genetics
Classification: Pathogenic for Hereditary cancer-predisposing syndrome. Last evaluated: 2025-03-03. Review status: criteria provided, single submitter. Criteria: Ambry Variant Classification Scheme 2023. Collection method: clinical testing. Allele origin: germline.
Comment: The p.R798* pathogenic mutation (also known as c.2392C>T), located in coding exon 16 of the BRIP1 gene, results from a C to T substitution at nucleotide position 2392. This changes the amino acid from an arginine to a stop codon within coding exon 16. This alteration has been described as a recurrent disease causing mutation in both Fanconi anemia type-J (FA-J) and breast cancer patients (Levitus M et al. Nat. Genet. 2005 Sep;37:934-5; Levran O et al. Nat. Genet. 2005 Sep;37:931-3; Seal S et al. Nat. Genet. 2006 Nov;38:1239-41; McInerney NM et al. Breast Cancer Res. Treat. 2010 May;121:203-10; Doddato G et al. Front Oncol 2021 May;11:649435). In addition, this mutation has been detected in prostate and ovarian cancer cohorts (Kote-Jarai Z et al. Br. J. Cancer. 2009 Jan;100:426-30; Walsh T et al. Proc. Natl. Acad. Sci. U.S.A. 2011 Nov;108:18032-7; Leongamornlert D et al. Br. J. Cancer. 2014 Mar;110:1663-72; Lerner-Ellis J et al. J Cancer Res Clin Oncol 2021 Mar;147(3):871-879; Flaum N et al. Clin Genet 2022 01;101(1):48-54). Of note, this alteration is also designated as p.Arg1035X in published literature. In addition to the clinical data presented in the literature, this alteration is expected to result in loss of function by premature protein truncation or nonsense-mediated mRNA decay. As such, this alteration is interpreted as a disease-causing mutation.

Blueprint Genetics
Classification: Pathogenic for BRIP1-related disorders. Last evaluated: 2024-11-25. Review status: criteria provided, single submitter. Criteria: ACMG Guidelines, 2015. Collection method: clinical testing. Allele origin: germline. Affected: yes. Observed: 5 variant alleles.

Fulgent Genetics
Classification: Pathogenic for Familial cancer of breast; Fanconi anemia complementation group J. Last evaluated: 2024-05-01. Review status: criteria provided, single submitter. Criteria: ACMG Guidelines, 2015. Collection method: clinical testing. Allele origin: germline.

Mayo Clinic Laboratories, Mayo Clinic
Classification: Pathogenic. Last evaluated: 2024-04-24. Review status: criteria provided, single submitter. Criteria: ACMG Guidelines, 2015. Collection method: clinical testing. Allele origin: germline. Observed: 4 variant alleles.
Comment: PP4, PM3_strong, PS4_moderate, PVS1

Baylor Genetics
Classification: Pathogenic for Familial cancer of breast. Last evaluated: 2024-03-26. Review status: criteria provided, single submitter. Criteria: ACMG Guidelines, 2015. Collection method: clinical testing. Allele origin: unknown.

Genomic Medicine Center of Excellence, King Faisal Specialist Hospital and Research Centre
Classification: Pathogenic for Fanconi anemia, complementation group J. Last evaluated: 2024-03-14. Review status: criteria provided, single submitter. Criteria: ACMG Guidelines, 2015. Collection method: clinical testing. Allele origin: germline.